The following is an entry in ClinVar:

ClinVar aggregate classification (germline): Uncertain significance (1 of 4 stars; one submission).

gnomAD v4.1: 3 of 1,550,254 alleles (0.00019%); highest among the groups gnomAD compares: African/African-American, 0.0014%; no homozygotes.

Submission:

Labcorp Genetics (formerly Invitae), Labcorp
Classification: Uncertain significance. Last evaluated: 2025-10-26. Review status: criteria provided, single submitter. Criteria: Invitae Variant Classification Sherloc (09022015). Collection method: clinical testing. Allele origin: germline.
Comment: This sequence change replaces serine, which is neutral and polar, with isoleucine, which is neutral and non-polar, at codon 3827 of the ZNF469 protein (p.Ser3827Ile). This variant is not present in population databases (gnomAD no frequency). This variant has not been reported in the literature in individuals affected with ZNF469-related conditions. An algorithm developed to predict the effect of missense changes on protein structure and function (PolyPhen-2) suggests that this variant is likely to be disruptive. In summary, the available evidence is currently insufficient to determine the role of this variant in disease. Therefore, it has been classified as a Variant of Uncertain Significance.

NM_001367624.2(ZNF469):c.11564G>T (p.Ser3855Ile)

Gene: ZNF469 (zinc finger protein 469; plus strand). Cytogenetic location: 16q24.2.
Variant type: single nucleotide variant.
Coding change: c.11564G>T on transcript NM_001367624.2 (MANE Select); coding-DNA position 11564, G replaced by T.
Protein change: p.Ser3855Ile; replaces serine 3855 with isoleucine.
Molecular consequence: missense variant.
Genome position (GRCh38, 1-based): chr16:88,439,034, G>T. VCF-style: chr16-88439034-G-T. GRCh37 (hg19) VCF-style: chr16-88505442-G-T.
Other names: short protein forms S3855I.
Identifiers: ClinVar variation 4768837 (VCV004768837.1).
Genomic context (GRCh38, chr16:88,439,034, plus strand): 5'-GGAGAGCCCCCTCAGCCCCTGACAAGCCCCCCCGGACCCCTCGGAAGCAGGCAACTCCCA[G>T]CCGCGTGCTCCCGACCAAGCCCAAGCCCAACAGCCAGAACAAACCCAGGCCGCCACCATC-3'
Protein context (NP_001354553.1, residues 3845-3865): PRTPRKQATP[Ser3855Ile]RVLPTKPKPN